The following is an entry in ClinVar:

NM_005188.4(CBL):c.728T>A (p.Ile243Asn)

Gene: CBL (Cbl proto-oncogene; plus strand). Cytogenetic location: 11q23.3.
Variant type: single nucleotide variant.
Coding change: c.728T>A on transcript NM_005188.4 (MANE Select); coding-DNA position 728, T replaced by A.
Protein change: p.Ile243Asn; replaces isoleucine 243 with asparagine.
Molecular consequence: missense variant.
Genome position (GRCh38, 1-based): chr11:119,274,005, T>A. VCF-style: chr11-119274005-T-A. GRCh37 (hg19) VCF-style: chr11-119144715-T-A.
Other names: short protein forms I243N.
Identifiers: ClinVar variation 3996087 (VCV003996087.1).

ClinVar aggregate classification (germline): Uncertain significance (1 of 4 stars; one submission).

Conditions:
Cardiovascular phenotype. Identifiers: MedGen CN230736.

Submission:

Ambry Genetics
Classification: Uncertain significance for Cardiovascular phenotype. Last evaluated: 2025-06-07. Review status: criteria provided, single submitter. Criteria: Ambry Variant Classification Scheme 2023. Collection method: clinical testing. Allele origin: germline.
Comment: The p.I243N variant (also known as c.728T>A), located in coding exon 4 of the CBL gene, results from a T to A substitution at nucleotide position 728. The isoleucine at codon 243 is replaced by asparagine, an amino acid with dissimilar properties. This amino acid position is conserved. In addition, this alteration is predicted to be deleterious by in silico analysis. Based on the available evidence, the clinical significance of this variant remains unclear.